The following is an entry in ClinVar:

NM_001370259.2(MEN1):c.449C>A (p.Thr150Asn)

Gene: MEN1 (menin 1; minus strand). Cytogenetic location: 11q13.1.
Variant type: single nucleotide variant.
Coding change: c.449C>A on transcript NM_001370259.2 (MANE Select); coding-DNA position 449, C replaced by A.
Protein change: p.Thr150Asn; replaces threonine 150 with asparagine.
Molecular consequence: missense variant. On other transcripts: non-coding transcript variant (4).
Genome position (GRCh38, 1-based): chr11:64,808,096, G>T on the plus strand (C>A on the coding strand, the complement: MEN1 is on the minus strand). VCF-style: chr11-64808096-G-T. GRCh37 (hg19) VCF-style: chr11-64575568-G-T.
Other names: c.464C>A, p.Thr155Asn (NM_000244.4, NM_001407145.1, NM_001407150.1 and 5 more transcripts); c.449C>A, p.Thr150Asn (NM_001370251.2, NM_001370260.2, NM_001370261.2 and 12 more transcripts); short protein forms T150N, T155N.
Identifiers: ClinVar variation 3229099 (VCV003229099.1), dbSNP rs1410911769, ClinGen allele CA381186333.

ClinVar aggregate classification (germline): Uncertain significance (1 of 4 stars; one submission).

Conditions:
Hereditary cancer-predisposing syndrome. Also called: Neoplastic Syndromes, Hereditary; Tumor predisposition; Hereditary neoplastic syndrome; Hereditary Cancer Syndrome. Identifiers: Orphanet 140162, MedGen C0027672, MeSH D009386, MONDO:0015356.

Allele frequency attached by ClinVar (database versions not stated): gnomAD exomes below 0.00001.
gnomAD v4.1: 1 of 1,610,272 alleles (0.000062%); highest among the groups gnomAD compares: South Asian, 0.0011%; no homozygotes.

Submission:

Ambry Genetics
Classification: Uncertain significance for Hereditary cancer-predisposing syndrome. Last evaluated: 2023-12-01. Review status: criteria provided, single submitter. Criteria: Ambry Variant Classification Scheme 2023. Collection method: clinical testing. Allele origin: germline.
Comment: The p.T150N variant (also known as c.449C>A), located in coding exon 2 of the MEN1 gene, results from a C to A substitution at nucleotide position 449. The threonine at codon 150 is replaced by asparagine, an amino acid with similar properties. This amino acid position is conserved. In addition, the in silico prediction for this alteration is inconclusive. Since supporting evidence is limited at this time, the clinical significance of this alteration remains unclear.